The following is an entry in ClinVar:

NM_000368.5(TSC1):c.2391+10G>T

Gene: TSC1 (TSC complex subunit 1; minus strand). Cytogenetic location: 9q34.13.
Variant type: single nucleotide variant.
Coding change: c.2391+10G>T on transcript NM_000368.5 (MANE Select); 10 bases into the intron after coding-DNA position 2391, G replaced by T.
Molecular consequence: intron variant.
Genome position (GRCh38, 1-based): chr9:132,902,595, C>A on the plus strand (G>T on the coding strand, the complement: TSC1 is on the minus strand). VCF-style: chr9-132902595-C-A. GRCh37 (hg19) VCF-style: chr9-135777982-C-A.
Other names: c.2028+10G>T (NM_001362177.2); c.2238+10G>T (NM_001162427.2); c.2388+10G>T (NM_001162426.2).
Identifiers: ClinVar variation 1533934 (VCV001533934.9), dbSNP rs2131727428, ClinGen allele CA2573144226.

ClinVar aggregate classification (germline): Likely benign. Review status: criteria provided, multiple submitters, no conflicts (2 of 4 stars). 2 submissions from 2 submitters: Likely benign (2). Last evaluated 2025-04-25.

Conditions:
Tuberous sclerosis 1 (TSC1). Identifiers: Orphanet 805, MedGen C1854465, MONDO:0008612, OMIM 191100.

Submissions (2):

Myriad Genetics, Inc.
Classification: Likely benign for Tuberous sclerosis 1. Last evaluated: 2025-04-25. Review status: criteria provided, single submitter. Criteria: Myriad Autosomal Dominant, Autosomal Recessive and X-Linked Classification Criteria (2023). Collection method: clinical testing. Allele origin: unknown.
Comment: This variant is considered likely benign. This variant is intronic and is not expected to impact mRNA splicing.

Labcorp Genetics (formerly Invitae), Labcorp
Classification: Likely benign for Tuberous sclerosis 1. Last evaluated: 2021-05-10. Review status: criteria provided, single submitter. Criteria: Invitae Variant Classification Sherloc (09022015). Collection method: clinical testing. Allele origin: germline.